The following is an entry in ClinVar:

ClinVar aggregate classification (germline): Conflicting classifications of pathogenicity. Review status: criteria provided, conflicting classifications (1 of 4 stars). 4 submissions from 4 submitters: Uncertain significance (3); Likely benign (1). Last evaluated 2025-10-28.

Conditions:
Progressive familial heart block type IB (PFHB1B). Identifiers: Orphanet 871, MedGen C1970298, MONDO:0011474, OMIM 604559.
Cardiovascular phenotype. Identifiers: MedGen CN230736.
Erythrokeratodermia variabilis et progressiva 6. Identifiers: MedGen C5193144, MONDO:0032801, OMIM 618531.

Allele frequency attached by ClinVar (database versions not stated): gnomAD exomes 0.00001 and 0.00002; ExAC 0.00002; gnomAD 0.00002 and 0.00003; TOPMed 0.00002.
gnomAD v4.1: 23 of 1,577,680 alleles (0.0015%); highest among the groups gnomAD compares: Non-Finnish European, 0.002%; no homozygotes.

Submissions (4):

Ambry Genetics
Classification: Likely benign for Cardiovascular phenotype. Last evaluated: 2025-10-28. Review status: criteria provided, single submitter. Criteria: Ambry Variant Classification Scheme 2023. Collection method: clinical testing. Allele origin: germline.

Labcorp Genetics (formerly Invitae), Labcorp
Classification: Uncertain significance for Progressive familial heart block type IB. Last evaluated: 2024-03-03. Review status: criteria provided, single submitter. Criteria: Invitae Variant Classification Sherloc (09022015). Collection method: clinical testing. Allele origin: germline.
Comment: This sequence change replaces proline, which is neutral and non-polar, with leucine, which is neutral and non-polar, at codon 489 of the TRPM4 protein (p.Pro489Leu). This variant is present in population databases (rs766004189, gnomAD 0.003%). This variant has not been reported in the literature in individuals affected with TRPM4-related conditions. ClinVar contains an entry for this variant (Variation ID: 894244). Algorithms developed to predict the effect of missense changes on protein structure and function output the following: SIFT: "Not Available"; PolyPhen-2: "Benign"; Align-GVGD: "Not Available". The leucine amino acid residue is found in multiple mammalian species, which suggests that this missense change does not adversely affect protein function. In summary, the available evidence is currently insufficient to determine the role of this variant in disease. Therefore, it has been classified as a Variant of Uncertain Significance.

Fulgent Genetics
Classification: Uncertain significance for Progressive familial heart block type IB; Erythrokeratodermia variabilis et progressiva 6. Last evaluated: 2021-08-25. Review status: criteria provided, single submitter. Criteria: ACMG Guidelines, 2015. Collection method: clinical testing. Allele origin: unknown.

Illumina Laboratory Services, Illumina
Classification: Uncertain significance for Progressive familial heart block type IB. Last evaluated: 2018-01-13. Review status: criteria provided, single submitter. Criteria: ICSL Variant Classification Criteria 13 December 2019. Collection method: clinical testing. Allele origin: germline.

NM_017636.4(TRPM4):c.1466C>T (p.Pro489Leu)

Gene: TRPM4 (transient receptor potential cation channel subfamily M member 4; plus strand). Cytogenetic location: 19q13.33.
Variant type: single nucleotide variant.
Coding change: c.1466C>T on transcript NM_017636.4 (MANE Select); coding-DNA position 1466, C replaced by T.
Protein change: p.Pro489Leu; replaces proline 489 with leucine.
Molecular consequence: missense variant. On other transcripts: 5 prime UTR variant (1).
Genome position (GRCh38, 1-based): chr19:49,182,780, C>T. VCF-style: chr19-49182780-C-T. GRCh37 (hg19) VCF-style: chr19-49686037-C-T.
Other names: c.1466C>T, p.Pro489Leu (NM_001195227.2); c.1121C>T, p.Pro374Leu (NM_001321281.2); c.-88C>T (NM_001321282.2); c.944C>T, p.Pro315Leu (NM_001321283.2); c.404C>T, p.Pro135Leu (NM_001321285.2); short protein forms P374L, P135L, P315L, P489L.
Identifiers: ClinVar variation 894244 (VCV000894244.8), dbSNP rs766004189, ClinGen allele CA9569200.